The following is an entry in ClinVar:

NM_013432.5(TONSL):c.1789G>A (p.Glu597Lys)

Genes: TONSL (tonsoku like, DNA repair protein; minus strand), TONSL-AS1 (TONSL antisense RNA 1; plus strand). Cytogenetic location: 8q24.3.
Variant type: single nucleotide variant.
Coding change: c.1789G>A on transcript NM_013432.5 (MANE Select); coding-DNA position 1789, G replaced by A.
Protein change: p.Glu597Lys; replaces glutamic acid 597 with lysine.
Molecular consequence: missense variant. On other transcripts: non-coding transcript variant (1).
Genome position (GRCh38, 1-based): chr8:144,436,858, C>T on the plus strand (G>A on the coding strand, the complement: TONSL is on the minus strand). VCF-style: chr8-144436858-C-T. GRCh37 (hg19) VCF-style: chr8-145662241-C-T.
Other names: short protein forms E597K.
Identifiers: ClinVar variation 1370360 (VCV001370360.5), dbSNP rs555600105, ClinGen allele CA4943049.

ClinVar aggregate classification (germline): Uncertain significance (1 of 4 stars; one submission).

Allele frequency attached by ClinVar (database versions not stated): gnomAD 0.00002 and 0.00003; gnomAD exomes 0.00002; TOPMed 0.00002; ExAC 0.00003; 1000 Genomes Project 30x 0.00016; 1000 Genomes Project 0.00020.
gnomAD v4.1: 35 of 1,610,296 alleles (0.0022%); highest among the groups gnomAD compares: East Asian, 0.0045%; no homozygotes.

Submission:

Labcorp Genetics (formerly Invitae), Labcorp
Classification: Uncertain significance. Last evaluated: 2021-09-17. Review status: criteria provided, single submitter. Criteria: Invitae Variant Classification Sherloc (09022015). Collection method: clinical testing. Allele origin: germline.
Comment: This sequence change replaces glutamic acid with lysine at codon 597 of the TONSL protein (p.Glu597Lys). The glutamic acid residue is moderately conserved and there is a small physicochemical difference between glutamic acid and lysine. This variant is present in population databases (rs555600105, ExAC 0.005%). This variant has not been reported in the literature in individuals with TONSL-related conditions. Algorithms developed to predict the effect of missense changes on protein structure and function are either unavailable or do not agree on the potential impact of this missense change (SIFT: "Deleterious"; PolyPhen-2: "Probably Damaging"; Align-GVGD: "Class C15"). In summary, the available evidence is currently insufficient to determine the role of this variant in disease. Therefore, it has been classified as a Variant of Uncertain Significance.